The following is an entry in ClinVar:

ClinVar aggregate classification (germline): Uncertain significance. Review status: criteria provided, multiple submitters, no conflicts (2 of 4 stars). 5 submissions from 5 submitters: Uncertain significance (4). 1 of the submissions does not count toward it. Last evaluated 2026-02-24.

Conditions:
Cardiovascular phenotype. Identifiers: MedGen CN230736.
Danon disease. Also called: ANTOPOL DISEASE; Glycogen Storage Disease Type IIb; PSEUDOGLYCOGENOSIS II; GSD IIb; LYSOSOMAL GLYCOGEN STORAGE DISEASE WITHOUT ACID MALTASE DEFICIENCY. Identifiers: Orphanet 34587, MedGen C0878677, MONDO:0010281, OMIM 300257.

Allele frequency attached by ClinVar (database versions not stated): gnomAD exomes 0.00001 and below 0.00001; TOPMed 0.00004; gnomAD 0.00006 and 0.00007.

Submissions (5):

Women's Health and Genetics/Laboratory Corporation of America, LabCorp
Classification: Uncertain significance. Last evaluated: 2026-02-24. Review status: criteria provided, single submitter. Criteria: LabCorp Variant Classification Summary - May 2015. Collection method: clinical testing. Allele origin: germline.
Comment: Variant summary: LAMP2 c.824A>G (p.Asn275Ser) results in a conservative amino acid change located in the Lysosome-associated membrane glycoprotein 2-like, luminal domains (IPR048528) of the encoded protein sequence. Algorithms developed to predict the effect of missense changes on protein structure and function all suggest that this variant is likely to be tolerated. The variant allele was found at a frequency of 9.1e-06 in 1203555 control chromosomes including 5 hemizygotes suggesting a benign role. c.824A>G has been reported in the literature in individuals affected with Cardiomyopathy (Walsh_2017). These report(s) do not provide unequivocal conclusions about association of the variant with Danon Disease. To our knowledge, no experimental evidence demonstrating an impact on protein function has been reported. The following publication have been ascertained in the context of this evaluation (PMID: 27532257). ClinVar contains an entry for this variant (Variation ID: 44438). Based on the evidence outlined above, the variant was classified as VUS-possibly benign.

Labcorp Genetics (formerly Invitae), Labcorp
Classification: Uncertain significance for Danon disease. Last evaluated: 2024-08-28. Review status: criteria provided, single submitter. Criteria: Invitae Variant Classification Sherloc (09022015). Collection method: clinical testing. Allele origin: germline.
Comment: This sequence change replaces asparagine, which is neutral and polar, with serine, which is neutral and polar, at codon 275 of the LAMP2 protein (p.Asn275Ser). This variant is present in population databases (rs397516747, gnomAD 0.02%), including at least one homozygous and/or hemizygous individual. This missense change has been observed in individual(s) with hypertrophic cardiomyopathy (PMID: 27532257). ClinVar contains an entry for this variant (Variation ID: 44438). Invitae Evidence Modeling of protein sequence and biophysical properties (such as structural, functional, and spatial information, amino acid conservation, physicochemical variation, residue mobility, and thermodynamic stability) indicates that this missense variant is not expected to disrupt LAMP2 protein function with a negative predictive value of 80%. In summary, the available evidence is currently insufficient to determine the role of this variant in disease. Therefore, it has been classified as a Variant of Uncertain Significance.

GeneDx
Classification: Uncertain significance. Last evaluated: 2024-07-31. Review status: criteria provided, single submitter. Criteria: GeneDx Variant Classification Process June 2021. Collection method: clinical testing. Allele origin: germline. Affected: yes.
Comment: Observed in patients with HCM referred for genetic testing at GeneDx and in the published literature; however, one individual harbored additional pathogenic variants in other genes associated with cardiomyopathy (PMID: 27532257); In silico analysis indicates that this missense variant does not alter protein structure/function; This variant is associated with the following publications: (PMID: 27532257)

Ambry Genetics
Classification: Uncertain significance for Cardiovascular phenotype. Last evaluated: 2022-08-08. Review status: criteria provided, single submitter. Criteria: Ambry Variant Classification Scheme 2023. Collection method: clinical testing. Allele origin: germline.

Laboratory for Molecular Medicine, Mass General Brigham Personalized Medicine
Classification: Uncertain significance. Last evaluated: 2009-05-04. Review status: no assertion criteria provided. Collection method: clinical testing. Allele origin: germline. Observed: 1 variant allele. Not counted in ClinVar's aggregate classification.

Literature cited by the submitters: PubMed 27532257 (cited by Women's Health and Genetics/Laboratory Corporation of America, LabCorp and Labcorp Genetics (formerly Invitae), Labcorp).

NM_002294.3(LAMP2):c.824A>G (p.Asn275Ser)

Gene: LAMP2 (lysosome associated membrane protein 2; minus strand). Cytogenetic location: Xq24.
Variant type: single nucleotide variant.
Coding change: c.824A>G on transcript NM_002294.3 (MANE Select); coding-DNA position 824, A replaced by G.
Protein change: p.Asn275Ser; replaces asparagine 275 with serine.
Molecular consequence: missense variant.
Genome position (GRCh38, 1-based): chrX:120,446,345, T>C on the plus strand (A>G on the coding strand, the complement: LAMP2 is on the minus strand). VCF-style: chrX-120446345-T-C. GRCh37 (hg19) VCF-style: chrX-119580200-T-C.
Other names: c.824A>G, p.Asn275Ser (NM_001122606.1, NM_013995.2); short protein forms N275S.
Identifiers: ClinVar variation 44438 (VCV000044438.14), dbSNP rs397516747, ClinGen allele CA134183.